The following is an entry in ClinVar:

ClinVar aggregate classification (germline): Conflicting classifications of pathogenicity. Review status: criteria provided, conflicting classifications (1 of 4 stars). 36 submissions from 34 submitters: Uncertain significance (2); Benign (12); Likely benign (13). 9 of the submissions do not count toward it. Last evaluated 2026-07-28.

Conditions:
BRCA2-related cancer predisposition. Identifiers: MedGen CN377758, MONDO:0700269.
Inherited ovarian cancer (without breast cancer).
Inherited breast cancer and ovarian cancer.
BRCA2-related disorder. Also called: BRCA2-related condition; BRCA2-related disorders. Identifiers: MedGen CN239275.
Breast and/or ovarian cancer. Identifiers: MedGen CN221562.
Hereditary cancer-predisposing syndrome. Also called: Hereditary Cancer Syndrome; Tumor predisposition; Neoplastic Syndromes, Hereditary; Hereditary neoplastic syndrome. Identifiers: Orphanet 140162, MedGen C0027672, MeSH D009386, MONDO:0015356.
Hereditary breast ovarian cancer syndrome. Also called: Breast and ovarian cancer; BRCA1- and BRCA2-Associated Hereditary Breast and Ovarian Cancer; Hereditary breast and ovarian cancer; Hereditary breast and ovarian cancer syndrome (HBOC); Hereditary breast and ovarian cancer syndrome; Hereditary breast and/or ovarian cancer syndrome. Identifiers: Orphanet 145, MedGen C0677776, MeSH D061325, MONDO:0003582. Disease mechanism: loss of function.
Fanconi anemia complementation group D1. Also called: BRCA2-Related Fanconi Anemia. Identifiers: Orphanet 319462, MedGen C1838457, MONDO:0011584, OMIM 605724.
Breast-ovarian cancer, familial, susceptibility to, 2 (BROVCA2). Also called: BRCA2 Hereditary Breast and Ovarian Cancer. Identifiers: Orphanet 145, MedGen C2675520, MONDO:0012933, OMIM 612555. Disease mechanism: loss of function.

Allele frequency attached by ClinVar (database versions not stated): TOPMed 0.00067; 1000 Genomes Project 0.00120; 1000 Genomes Project 30x 0.00125; ESP Exome Variant Server 0.00054.
gnomAD v4.1: 1,314 of 1,613,836 alleles (0.081%); highest among the groups gnomAD compares: Admixed American, 0.2%; 3 homozygotes.

Submissions 1 to 20 of 36:

Cambridge Genomics Laboratory, East Genomic Laboratory Hub, NHS Genomic Medicine Service
Classification: Benign for Inherited breast cancer and ovarian cancer. Last evaluated: 2026-07-28. Review status: criteria provided, single submitter. Criteria: ACGS Best Practice Guidelines for Variant Classification in Rare Disease 2020. Collection method: clinical testing. Allele origin: germline. Affected: yes.
Comment: BS3_Strong,BS1_Strong,BP5_Strong

Cambridge Genomics Laboratory, East Genomic Laboratory Hub, NHS Genomic Medicine Service
Classification: Benign for Inherited ovarian cancer (without breast cancer). Last evaluated: 2026-04-28. Review status: criteria provided, single submitter. Criteria: ACGS Best Practice Guidelines for Variant Classification in Rare Disease 2020. Collection method: clinical testing. Allele origin: germline. Affected: yes.
Comment: the same text as in the submission from Cambridge Genomics Laboratory, East Genomic Laboratory Hub, NHS Genomic Medicine Service above.

CeGaT Center for Human Genetics Tuebingen
Classification: Benign. Last evaluated: 2026-03-01. Review status: criteria provided, single submitter. Criteria: CeGaT Center For Human Genetics Tuebingen Variant Classification Criteria Version 2. Collection method: clinical testing. Allele origin: germline. Affected: yes. Observed: 15 variant alleles.
Comment: BRCA2: BP4, BS1, BS2

Labcorp Genetics (formerly Invitae), Labcorp
Classification: Benign for Hereditary breast ovarian cancer syndrome. Last evaluated: 2026-02-03. Review status: criteria provided, single submitter. Criteria: Invitae Variant Classification Sherloc (09022015). Collection method: clinical testing. Allele origin: germline.

ARUP Laboratories, Molecular Genetics and Genomics, ARUP Laboratories
Classification: Benign. Last evaluated: 2025-06-27. Review status: criteria provided, single submitter. Criteria: ARUP Molecular Germline Variant Investigation Process 2024. Collection method: clinical testing. Allele origin: germline.

Center for Genomic Medicine, Rigshospitalet, Copenhagen University Hospital
Classification: Likely benign. Last evaluated: 2025-03-04. Review status: criteria provided, single submitter. Criteria: ACMG Guidelines, 2015. Collection method: clinical testing. Allele origin: germline.

Blueprint Genetics
Classification: Likely benign. Last evaluated: 2024-10-30. Review status: criteria provided, single submitter. Criteria: ACMG Guidelines, 2015. Collection method: clinical testing. Allele origin: germline.

All of Us Research Program, National Institutes of Health
Classification: Likely benign for BRCA2-related cancer predisposition. Last evaluated: 2024-09-23. Review status: criteria provided, single submitter. Criteria: ACMG Guidelines, 2015. Collection method: clinical testing. Allele origin: germline. Inheritance: Autosomal dominant inheritance. Observed: 257 variant alleles, 257 heterozygotes.
Comment: This study involves interpretation of variants in research participants for the purpose of population health screening. Participant phenotype was not available at the time of variant classification. Additional details can be found in publication PMID: 35346344, PMCID: PMC8962531

Mayo Clinic Laboratories, Mayo Clinic
Classification: Benign. Last evaluated: 2024-01-29. Review status: criteria provided, single submitter. Criteria: ACMG Guidelines, 2015. Collection method: clinical testing. Allele origin: germline. Observed: 8 variant alleles.
Comment: BA1

CHEO Genetics Diagnostic Laboratory, Children's Hospital of Eastern Ontario
Classification: Likely benign for Breast and/or ovarian cancer. Last evaluated: 2023-05-17. Review status: criteria provided, single submitter. Criteria: ACMG Guidelines, 2015. Collection method: clinical testing. Allele origin: germline.

Institute for Clinical Genetics, University Hospital TU Dresden, University Hospital TU Dresden
Classification: Likely benign. Last evaluated: 2021-11-03. Review status: criteria provided, single submitter. Criteria: ACMG Guidelines, 2015. Collection method: clinical testing. Allele origin: germline.

Sema4
Classification: Benign for Hereditary cancer-predisposing syndrome. Last evaluated: 2020-10-23. Review status: criteria provided, single submitter. Criteria: Sema4 Curation Guidelines. Collection method: curation. Allele origin: germline.

Mendelics
Classification: Likely benign for Breast-ovarian cancer, familial, susceptibility to, 2. Last evaluated: 2019-05-28. Review status: criteria provided, single submitter. Criteria: Mendelics Assertion Criteria 2017. Collection method: clinical testing. Allele origin: unknown.

Centre for Mendelian Genomics, University Medical Centre Ljubljana
Classification: Likely benign for Breast-ovarian cancer, familial, susceptibility to, 2. Last evaluated: 2019-05-09. Review status: criteria provided, single submitter. Criteria: ACMG Guidelines, 2015. Collection method: clinical testing. Allele origin: unknown. Affected: yes.
Comment: This variant was classified as: Likely benign. The following ACMG criteria were applied in classifying this variant: PP3,BP1,BP6.

Illumina Laboratory Services, Illumina
Classification: Likely benign for Breast-ovarian cancer, familial, susceptibility to, 2. Last evaluated: 2018-03-06. Review status: criteria provided, single submitter. Criteria: ICSL Variant Classification Criteria 13 December 2019. Collection method: clinical testing. Allele origin: germline.
Comment: This variant was observed in the ICSL laboratory as part of a predisposition screen in an ostensibly healthy population. It had not been previously curated by ICSL or reported in the Human Gene Mutation Database (HGMD: prior to June 1st, 2018), and was therefore a candidate for classification through an automated scoring system. Utilizing variant allele frequency, disease prevalence and penetrance estimates, and inheritance mode, an automated score was calculated to assess if this variant is too frequent to cause the disease. Based on the score and internal cut-off values, a variant classified as likely benign is not then subjected to further curation. The score for this variant resulted in a classification of likely benign for this disease.

Illumina Laboratory Services, Illumina
Classification: Uncertain significance for Fanconi anemia complementation group D1. Last evaluated: 2018-03-06. Review status: criteria provided, single submitter. Criteria: ICSL Variant Classification Criteria 13 December 2019. Collection method: clinical testing. Allele origin: germline.

Cancer Genetics and Genomics Laboratory, British Columbia Cancer Agency
Classification: Benign. Last evaluated: 2017-04-18. Review status: criteria provided, single submitter. Criteria: ACMG Guidelines, 2015. Collection method: clinical testing. Allele origin: germline. Study: The Canadian Open Genetics Repository (COGR).

Genetic Services Laboratory, University of Chicago
Classification: Likely benign. Last evaluated: 2017-03-15. Review status: criteria provided, single submitter. Criteria: ACMG Guidelines, 2015. Collection method: clinical testing. Allele origin: germline. Affected: no.

Laboratory for Molecular Medicine, Mass General Brigham Personalized Medicine
Classification: Uncertain significance. Last evaluated: 2016-12-21. Review status: criteria provided, single submitter. Criteria: LMM Criteria. Collection method: clinical testing. Allele origin: germline. Observed: 3 variant alleles.
Comment: Variant classified as Uncertain Significance - Favor Benign. The p.Lys2950Asn va riant in BRCA2 has been reported in at least 1 individual with BRCA2-associated cancer (Blay 2013). This variant has also been identified in 0.2% (21/11524) of Latino chromosomes by the Exome Aggregation Consortium (ExAC; dbSNP rs28897754). Computational prediction tools and conservation analysis suggest that the p.Lys2950Asn variant may impact the protein, though t his information is not predictive enough to determine pathogenicity. In summary, while the clinical significance of the p.Lys2950Asn variant is uncertain, its f requency suggests that it is more likely to be benign.

GeneDx
Classification: Benign. Last evaluated: 2016-09-16. Review status: criteria provided, single submitter. Criteria: GeneDx Variant Classification (06012015). Collection method: clinical testing. Allele origin: germline. Affected: yes.
Comment: This variant is considered likely benign or benign based on one or more of the following criteria: it is a conservative change, it occurs at a poorly conserved position in the protein, it is predicted to be benign by multiple in silico algorithms, and/or has population frequency not consistent with disease.

NM_000059.4(BRCA2):c.8850G>T (p.Lys2950Asn)

Gene: BRCA2 (BRCA2 DNA repair associated; plus strand). Cytogenetic location: 13q13.1.
Variant type: single nucleotide variant.
Coding change: c.8850G>T on transcript NM_000059.4 (MANE Select); coding-DNA position 8850, G replaced by T.
Protein change: p.Lys2950Asn; replaces lysine 2950 with asparagine.
Molecular consequence: missense variant.
Genome position (GRCh38, 1-based): chr13:32,379,412, G>T. VCF-style: chr13-32379412-G-T. GRCh37 (hg19) VCF-style: chr13-32953549-G-T.
Other names: p.K2950N:AAG>AAT; 9078G>T; short protein forms K2950N.
Identifiers: ClinVar variation 52692 (VCV000052692.114), dbSNP rs28897754, ClinGen allele CA025850.
Genomic context (GRCh38, chr13:32,379,412, plus strand): 5'-TAATCACAGGCAAATGTTGAATGATAAGAAACAAGCTCAGATCCAGTTGGAAATTAGGAA[G>T]GCCATGGAATCTGCTGAACAAAAGGAACAAGGTTTATCAAGGGATGTCACAACCGTGTGG-3'
Protein context (NP_000050.3, residues 2940-2960): KQAQIQLEIR[Lys2950Asn]AMESAEQKEQ